The following is an entry in ClinVar:

NM_133433.4(NIPBL):c.7549G>A (p.Asp2517Asn)

Gene: NIPBL (NIPBL cohesin loading factor; plus strand). Cytogenetic location: 5p13.2.
Variant type: single nucleotide variant.
Coding change: c.7549G>A on transcript NM_133433.4 (MANE Select); coding-DNA position 7549, G replaced by A.
Protein change: p.Asp2517Asn; replaces aspartic acid 2517 with asparagine.
Molecular consequence: missense variant.
Genome position (GRCh38, 1-based): chr5:37,059,029, G>A. VCF-style: chr5-37059029-G-A. GRCh37 (hg19) VCF-style: chr5-37059131-G-A.
Other names: c.7549G>A, p.Asp2517Asn (NM_015384.5); short protein forms D2517N.
Identifiers: ClinVar variation 2893204 (VCV002893204.3), dbSNP rs189670249, ClinGen allele CA3237228.

ClinVar aggregate classification (germline): Uncertain significance (1 of 4 stars; one submission).

Conditions:
Cornelia de Lange syndrome 1 (CDLS1). Also called: TYPUS DEGENERATIVUS AMSTELODAMENSIS; Brachmann de Lange syndrome; NIPBL-Related Cornelia de Lange Syndrome. Identifiers: Orphanet 199, MedGen C4551851, MONDO:0007387, OMIM 122470.

Allele frequency attached by ClinVar (database versions not stated): TOPMed below 0.00001; ExAC 0.00001; gnomAD 0.00001; gnomAD exomes 0.00001; 1000 Genomes Project 0.00020; 1000 Genomes Project 30x 0.00031.
gnomAD v4.1: 5 of 1,614,000 alleles (0.00031%); highest among the groups gnomAD compares: Admixed American, 0.0083%; no homozygotes.

Submission:

Labcorp Genetics (formerly Invitae), Labcorp
Classification: Uncertain significance for Cornelia de Lange syndrome 1. Last evaluated: 2023-12-11. Review status: criteria provided, single submitter. Criteria: Invitae Variant Classification Sherloc (09022015). Collection method: clinical testing. Allele origin: germline.
Comment: This sequence change replaces aspartic acid, which is acidic and polar, with asparagine, which is neutral and polar, at codon 2517 of the NIPBL protein (p.Asp2517Asn). This variant is present in population databases (rs189670249, gnomAD 0.006%). This variant has not been reported in the literature in individuals affected with NIPBL-related conditions. Advanced modeling of protein sequence and biophysical properties (such as structural, functional, and spatial information, amino acid conservation, physicochemical variation, residue mobility, and thermodynamic stability) has been performed at Invitae for this missense variant, however the output from this modeling did not meet the statistical confidence thresholds required to predict the impact of this variant on NIPBL protein function. In summary, the available evidence is currently insufficient to determine the role of this variant in disease. Therefore, it has been classified as a Variant of Uncertain Significance.